The following is an entry in ClinVar:

NM_000136.3(FANCC):c.665C>A (p.Ala222Asp)

Genes: AOPEP (aminopeptidase O (putative); plus strand), FANCC (FA complementation group C; minus strand). Cytogenetic location: 9q22.32.
Variant type: single nucleotide variant.
Coding change: c.665C>A on transcript NM_000136.3 (MANE Select); coding-DNA position 665, C replaced by A.
Protein change: p.Ala222Asp; replaces alanine 222 with aspartic acid.
Molecular consequence: missense variant.
Genome position (GRCh38, 1-based): chr9:95,149,944, G>T on the plus strand (C>A on the coding strand, the complement: FANCC is on the minus strand). VCF-style: chr9-95149944-G-T. GRCh37 (hg19) VCF-style: chr9-97912226-G-T.
Other names: c.665C>A (NM_000136.2); c.665C>A, p.Ala222Asp (NM_001243743.2, NM_001243744.2); short protein forms A222D.
Identifiers: ClinVar variation 990705 (VCV000990705.6), dbSNP rs1830058618, ClinGen allele CA374109552.

ClinVar aggregate classification (germline): Uncertain significance. Review status: criteria provided, multiple submitters, no conflicts (2 of 4 stars). 3 submissions from 3 submitters: Uncertain significance (2). 1 of the submissions does not count toward it. Last evaluated 2025-08-20.

Conditions:
Fanconi anemia complementation group C (FANCC). Also called: FANCONI PANCYTOPENIA, TYPE 3; FACC; Fanconi anemia, group C; FANCC-Related Fanconi Anemia. Identifiers: Orphanet 84, MedGen C3468041, MONDO:0009213, OMIM 227645.
Fanconi anemia (FA). Also called: Fanconi's anemia. Identifiers: Orphanet 84, MedGen C0015625, MeSH D005199, MONDO:0019391.
Hereditary cancer-predisposing syndrome. Also called: Neoplastic Syndromes, Hereditary; Hereditary neoplastic syndrome; Tumor predisposition; Hereditary Cancer Syndrome. Identifiers: Orphanet 140162, MedGen C0027672, MeSH D009386, MONDO:0015356.

Allele frequency attached by ClinVar (database versions not stated): gnomAD exomes below 0.00001.
gnomAD v4.1: 1 of 1,608,622 alleles (0.000062%); highest among the groups gnomAD compares: African/African-American, 0.0013%; no homozygotes.

Submissions (3):

Ambry Genetics
Classification: Uncertain significance for Hereditary cancer-predisposing syndrome. Last evaluated: 2025-08-20. Review status: criteria provided, single submitter. Criteria: Ambry Variant Classification Scheme 2023. Collection method: clinical testing. Allele origin: germline.
Comment: The p.A222D variant (also known as c.665C>A), located in coding exon 6 of the FANCC gene, results from a C to A substitution at nucleotide position 665. The alanine at codon 222 is replaced by aspartic acid, an amino acid with dissimilar properties. This amino acid position is not well conserved in available vertebrate species. In addition, this alteration is predicted to be tolerated by in silico analysis. Since supporting evidence is limited at this time, the clinical significance of this alteration remains unclear.

Sema4
Classification: Uncertain significance for Fanconi anemia. Last evaluated: 2021-10-14. Review status: criteria provided, single submitter. Criteria: Sema4 Curation Guidelines. Collection method: curation. Allele origin: germline.
Comment: The FANCC c.665C>A (p.A222D) variant has not been reported in the literature to our knowledge. It was not observed in the large and broad cohorts of the Genome Aggregation Database, but has been reported in ClinVar (Variation ID 990705). Functional studies have not been performed, and in silico predictions of the variant's effect on protein function are inconclusive. The evidence is insufficient to meet ACMG/AMP criteria for classifying the variant as benign or pathogenic. Thus, the clinical significance of this variant is currently uncertain.

Natera, Inc.
Classification: Uncertain significance for Fanconi anemia, group C. Last evaluated: 2020-08-13. Review status: no assertion criteria provided. Collection method: clinical testing. Allele origin: germline. Not counted in ClinVar's aggregate classification.